The following is an entry in ClinVar:

NM_000057.4(BLM):c.3205A>G (p.Thr1069Ala)

Gene: BLM (BLM RecQ like helicase; plus strand). Cytogenetic location: 15q26.1.
Variant type: single nucleotide variant.
Coding change: c.3205A>G on transcript NM_000057.4 (MANE Select); coding-DNA position 3205, A replaced by G.
Protein change: p.Thr1069Ala; replaces threonine 1069 with alanine.
Molecular consequence: missense variant.
Genome position (GRCh38, 1-based): chr15:90,794,352, A>G. VCF-style: chr15-90794352-A-G. GRCh37 (hg19) VCF-style: chr15-91337582-A-G.
Other names: c.3205A>G, p.Thr1069Ala (NM_001287246.2, NM_001287247.2); c.2080A>G, p.Thr694Ala (NM_001287248.2); short protein forms T694A, T1069A.
Identifiers: ClinVar variation 1728857 (VCV001728857.2), dbSNP rs2505525777, ClinGen allele CA393847073.
Genomic context (GRCh38, chr15:90,794,352, plus strand): 5'-GGATTTAATCCTGATTTTTGTAAGAAACACCCAGATGTTTCTTGTGATAATTGCTGTAAA[A>G]CAAAGGTAAAAAAAGAAGTTTTAAAATTCTTTATAATTAAATTTTTTTTCTCTTACTTTA-3'
Protein context (NP_000048.1, residues 1059-1079): PDVSCDNCCK[Thr1069Ala]KDYKTRDVTD

ClinVar aggregate classification (germline): Uncertain significance (1 of 4 stars; one submission).

Conditions:
Hereditary cancer-predisposing syndrome. Also called: Tumor predisposition; Neoplastic Syndromes, Hereditary; Hereditary Cancer Syndrome; Hereditary neoplastic syndrome. Identifiers: Orphanet 140162, MedGen C0027672, MeSH D009386, MONDO:0015356.

Allele frequency attached by ClinVar (database versions not stated): gnomAD exomes below 0.00001.
gnomAD v4.1: 1 of 1,583,012 alleles (0.000063%); highest among the groups gnomAD compares: East Asian, 0.0023%; no homozygotes.

Submission:

Ambry Genetics
Classification: Uncertain significance for Hereditary cancer-predisposing syndrome. Last evaluated: 2021-04-01. Review status: criteria provided, single submitter. Criteria: Ambry Variant Classification Scheme 2023. Collection method: clinical testing. Allele origin: germline.
Comment: The p.T1069A variant (also known as c.3205A>G), located in coding exon 15 of the BLM gene, results from an A to G substitution at nucleotide position 3205. The threonine at codon 1069 is replaced by alanine, an amino acid with similar properties. This amino acid position is not well conserved in available vertebrate species. In addition, this alteration is predicted to be tolerated by in silico analysis. Since supporting evidence is limited at this time, the clinical significance of this alteration remains unclear.